The following is an entry in ClinVar:

NM_000384.3(APOB):c.10058A>C (p.Asn3353Thr)

Gene: APOB (apolipoprotein B; minus strand). Cytogenetic location: 2p24.1.
Variant type: single nucleotide variant.
Coding change: c.10058A>C on transcript NM_000384.3 (MANE Select); coding-DNA position 10058, A replaced by C.
Protein change: p.Asn3353Thr; replaces asparagine 3353 with threonine.
Molecular consequence: missense variant.
Genome position (GRCh38, 1-based): chr2:21,006,810, T>G on the plus strand (A>C on the coding strand, the complement: APOB is on the minus strand). VCF-style: chr2-21006810-T-G. GRCh37 (hg19) VCF-style: chr2-21229682-T-G.
Other names: short protein forms N3353T.
Identifiers: ClinVar variation 1780247 (VCV001780247.2), dbSNP rs2465360960, ClinGen allele CA345987671.
Genomic context (GRCh38, chr2:21,006,810, plus strand): 5'-ACAGATGAAGATGAAGAAAGGAGATGAGCAACAATATCTGACTGGTTAAAAAGTTCAGCA[T>G]TGGTATTCAGTGTGATGACACTTGATTTAAAGGAGAAATCATAGGTAATATTGCCCATGG-3'
Protein context (NP_000375.3, residues 3343-3363): FKSSVITLNT[Asn3353Thr]AELFNQSDIV

ClinVar aggregate classification (germline): Uncertain significance (1 of 4 stars; one submission).

Conditions:
Cardiovascular phenotype. Identifiers: MedGen CN230736.

Allele frequency attached by ClinVar (database versions not stated): gnomAD exomes below 0.00001.
gnomAD v4.1: 1 of 1,614,062 alleles (0.000062%); highest among the groups gnomAD compares: Non-Finnish European, 0.000085%; no homozygotes.

Submission:

Ambry Genetics
Classification: Uncertain significance for Cardiovascular phenotype. Last evaluated: 2020-08-20. Review status: criteria provided, single submitter. Criteria: Ambry Variant Classification Scheme 2023. Collection method: clinical testing. Allele origin: germline.
Comment: The p.N3353T variant (also known as c.10058A>C), located in coding exon 26 of the APOB gene, results from an A to C substitution at nucleotide position 10058. The asparagine at codon 3353 is replaced by threonine, an amino acid with similar properties. This amino acid position is well conserved in available vertebrate species. In addition, this alteration is predicted to be tolerated by in silico analysis. Since supporting evidence is limited at this time, the clinical significance of this alteration remains unclear.